The following is an entry in ClinVar:

ClinVar aggregate classification (germline): Likely benign (0 of 4 stars; one submission).

Conditions:
PLXNA3-related disorder. Also called: PLXNA3-related condition.

Allele frequency attached by ClinVar (database versions not stated): ExAC 0.00005; ESP Exome Variant Server 0.00009; TOPMed 0.00014; gnomAD 0.00015.
gnomAD v4.1: 341 of 1,189,297 alleles (0.029%); highest among the groups gnomAD compares: Non-Finnish European, 0.038%; no homozygotes.

Submission:

PreventionGenetics, part of Exact Sciences
Classification: Likely benign for PLXNA3-related condition. Last evaluated: 2021-09-10. Review status: no assertion criteria provided. Collection method: clinical testing. Allele origin: germline.
Comment: This variant is classified as likely benign based on ACMG/AMP sequence variant interpretation guidelines (Richards et al. 2015 PMID: 25741868, with internal and published modifications).

NM_017514.5(PLXNA3):c.3821-8C>T

Gene: PLXNA3 (plexin A3; plus strand). Cytogenetic location: Xq28.
Variant type: single nucleotide variant.
Coding change: c.3821-8C>T on transcript NM_017514.5 (MANE Select); 8 bases into the intron before coding-DNA position 3821, C replaced by T.
Molecular consequence: intron variant.
Genome position (GRCh38, 1-based): chrX:154,468,074, C>T. VCF-style: chrX-154468074-C-T. GRCh37 (hg19) VCF-style: chrX-153696417-C-T.
Identifiers: ClinVar variation 3061608 (VCV003061608.2), dbSNP rs374238497, ClinGen allele CA10564731.